The following is an entry in ClinVar:

NM_005431.2(XRCC2):c.283A>G (p.Ile95Val)

Gene: XRCC2 (X-ray repair cross complementing 2; minus strand). Cytogenetic location: 7q36.1.
Variant type: single nucleotide variant.
Coding change: c.283A>G on transcript NM_005431.2 (MANE Select); coding-DNA position 283, A replaced by G.
Protein change: p.Ile95Val; replaces isoleucine 95 with valine.
Molecular consequence: missense variant.
Genome position (GRCh38, 1-based): chr7:152,649,202, T>C on the plus strand (A>G on the coding strand, the complement: XRCC2 is on the minus strand). VCF-style: chr7-152649202-T-C. GRCh37 (hg19) VCF-style: chr7-152346287-T-C.
Other names: p.I95V:ATT>GTT; short protein forms I95V.
Identifiers: ClinVar variation 127954 (VCV000127954.25), dbSNP rs140214637, ClinGen allele CA288130.
Genomic context (GRCh38, chr7:152,649,202, plus strand): 5'-ATCTTCCCAGGCAGTATTTGATTATTTCTTCAGAGCTTTGGGATAGTCTGTGCTCAAGAA[T>C]TGTAACTAGCCGGAGCATATCAAAGTGGTAATCTGTATCAATAAATAAGACTTCTACTTC-3'
Protein context (NP_005422.1, residues 85-105): YHFDMLRLVT[Ile95Val]LEHRLSQSSE

ClinVar aggregate classification (germline): Conflicting classifications of pathogenicity. Review status: criteria provided, conflicting classifications (1 of 4 stars). 9 submissions from 9 submitters: Uncertain significance (3); Likely benign (4). 2 of the submissions do not count toward it. Last evaluated 2026-02-01.

Conditions:
Fanconi anemia complementation group U. Identifiers: MedGen C4310651, MONDO:0014987, OMIM 617247.
XRCC2-related disorder. Also called: XRCC2-related condition.
Spermatogenic failure 50. Also called: Spermatogenic failures 50. Identifiers: MONDO:0030869, OMIM 619145, MedGen C5436888.
Premature ovarian failure 17. Identifiers: MedGen C5436889, MONDO:0030870, OMIM 619146.
Hereditary cancer-predisposing syndrome. Also called: Tumor predisposition; Hereditary neoplastic syndrome; Neoplastic Syndromes, Hereditary; Hereditary Cancer Syndrome. Identifiers: Orphanet 140162, MedGen C0027672, MeSH D009386, MONDO:0015356.

Allele frequency attached by ClinVar (database versions not stated): gnomAD 0.00015 and 0.00016; TOPMed 0.00019; ESP Exome Variant Server 0.00023; gnomAD exomes 0.00024 and 0.00043; ExAC 0.00033.
gnomAD v4.1: 640 of 1,613,736 alleles (0.04%); highest among the groups gnomAD compares: Non-Finnish European, 0.053%; no homozygotes.

Submissions (11):

Labcorp Genetics (formerly Invitae), Labcorp
Classification: Uncertain significance. Last evaluated: 2026-02-01. Review status: criteria provided, single submitter. Criteria: Invitae Variant Classification Sherloc (09022015). Collection method: clinical testing. Allele origin: germline.
Comment: This sequence change replaces isoleucine, which is neutral and non-polar, with valine, which is neutral and non-polar, at codon 95 of the XRCC2 protein (p.Ile95Val). This variant is present in population databases (rs140214637, gnomAD 0.05%), and has an allele count higher than expected for a pathogenic variant. This missense change has been observed in individual(s) with breast cancer, ovarian cancer, and pancreatic cancer (PMID: 22464251, 23054243, 26689913, 28767289). ClinVar contains an entry for this variant (Variation ID: 127954). Invitae Evidence Modeling of protein sequence and biophysical properties (such as structural, functional, and spatial information, amino acid conservation, physicochemical variation, residue mobility, and thermodynamic stability) indicates that this missense variant is not expected to disrupt XRCC2 protein function with a negative predictive value of 80%. Experimental studies have shown that this missense change does not substantially affect XRCC2 function (PMID: 27233470). In summary, the available evidence is currently insufficient to determine the role of this variant in disease. Therefore, it has been classified as a Variant of Uncertain Significance.

Blueprint Genetics
Classification: Likely benign. Last evaluated: 2024-09-02. Review status: criteria provided, single submitter. Criteria: ACMG Guidelines, 2015. Collection method: clinical testing. Allele origin: germline.

Fulgent Genetics
Classification: Uncertain significance for Fanconi anemia complementation group U; Spermatogenic failure 50; Premature ovarian failure 17. Last evaluated: 2024-02-16. Review status: criteria provided, single submitter. Criteria: ACMG Guidelines, 2015. Collection method: clinical testing. Allele origin: germline.

Sema4
Classification: Likely benign for Hereditary cancer-predisposing syndrome. Last evaluated: 2020-12-17. Review status: criteria provided, single submitter. Criteria: Sema4 Curation Guidelines. Collection method: curation. Allele origin: germline.

Mendelics
Classification: Uncertain significance for Fanconi anemia complementation group U. Last evaluated: 2019-05-28. Review status: criteria provided, single submitter. Criteria: Mendelics Assertion Criteria 2017. Collection method: clinical testing. Allele origin: unknown.

Ambry Genetics
Classification: Likely benign for Hereditary cancer-predisposing syndrome. Last evaluated: 2018-11-02. Review status: criteria provided, single submitter. Criteria: Ambry Variant Classification Scheme 2023. Collection method: clinical testing. Allele origin: germline.

GeneDx
Classification: Likely benign. Last evaluated: 2017-10-09. Review status: criteria provided, single submitter. Criteria: GeneDx Variant Classification (06012015). Collection method: clinical testing. Allele origin: germline. Affected: yes.
Comment: This variant is considered likely benign or benign based on one or more of the following criteria: it is a conservative change, it occurs at a poorly conserved position in the protein, it is predicted to be benign by multiple in silico algorithms, and/or has population frequency not consistent with disease.

PreventionGenetics, part of Exact Sciences
Classification: Likely benign for XRCC2-related condition. Last evaluated: 2021-01-08. Review status: no assertion criteria provided. Collection method: clinical testing. Allele origin: germline. Not counted in ClinVar's aggregate classification.
Comment: This variant is classified as likely benign based on ACMG/AMP sequence variant interpretation guidelines (Richards et al. 2015 PMID: 25741868, with internal and published modifications).

Leiden Open Variation Database
Classification: Uncertain significance. Last evaluated: 2012-05-02. Review status: no assertion criteria provided. Collection method: curation. Allele origin: germline. Affected: yes. Not counted in ClinVar's aggregate classification.
Comment: Curator: Arleen D. Auerbach. Submitter to LOVD: Johan den Dunnen.

Dr. Peter K. Rogan Lab, Western University
No classification provided (evidence only). Condition: Ovarian serous cystadenocarcinoma. Review status: no classification provided. Collection method: in vitro. Allele origin: not applicable. Functional consequence: retained intron. Not counted in ClinVar's aggregate classification.

Dr. Peter K. Rogan Lab, Western University
No classification provided (evidence only). Condition: Ovarian serous cystadenocarcinoma. Review status: no classification provided. Collection method: in vitro. Allele origin: not applicable. Functional consequence: retained intron. Not counted in ClinVar's aggregate classification.

Literature cited by the submitters: PubMed 22464251 (cited by Labcorp Genetics (formerly Invitae), Labcorp and Leiden Open Variation Database); PubMed 23054243 (cited by Labcorp Genetics (formerly Invitae), Labcorp); PubMed 26689913 (cited by Labcorp Genetics (formerly Invitae), Labcorp); PubMed 28767289 (cited by Labcorp Genetics (formerly Invitae), Labcorp); PubMed 27233470 (cited by Labcorp Genetics (formerly Invitae), Labcorp).